The following is an entry in ClinVar:

NM_172364.5(CACNA2D4):c.2014C>T (p.His672Tyr)

Gene: CACNA2D4 (calcium voltage-gated channel auxiliary subunit alpha2delta 4; minus strand). Cytogenetic location: 12p13.33.
Variant type: single nucleotide variant.
Coding change: c.2014C>T on transcript NM_172364.5 (MANE Select); coding-DNA position 2014, C replaced by T.
Protein change: p.His672Tyr; replaces histidine 672 with tyrosine.
Molecular consequence: missense variant.
Genome position (GRCh38, 1-based): chr12:1,856,224, G>A on the plus strand (C>T on the coding strand, the complement: CACNA2D4 is on the minus strand). VCF-style: chr12-1856224-G-A. GRCh37 (hg19) VCF-style: chr12-1965390-G-A.
Other names: short protein forms H672Y.
Identifiers: ClinVar variation 2812333 (VCV002812333.3), dbSNP rs1282541655, ClinGen allele CA383349654.
Genomic context (GRCh38, chr12:1,856,224, plus strand): 5'-ATTTTTTACTCCTCACTTACCAGTCACCGGCCAGGGCCAGGTCTGGGTGAAGCAAGTCAT[G>A]CAGGCCTGAAACCAGAGTCCACATTCAGGGTGATGCTCCCTCACTGCCATGAGGGTGTGT-3'
Protein context (NP_758952.4, residues 662-682): LGNTSVEEGL[His672Tyr]DLLHPDLALA

ClinVar aggregate classification (germline): Uncertain significance (1 of 4 stars; one submission).

Allele frequency attached by ClinVar (database versions not stated): TOPMed below 0.00001; gnomAD 0.00001; gnomAD exomes 0.00001.
gnomAD v4.1: 15 of 1,613,912 alleles (0.00093%); highest among the groups gnomAD compares: Non-Finnish European, 0.0013%; no homozygotes.

Submission:

Labcorp Genetics (formerly Invitae), Labcorp
Classification: Uncertain significance. Last evaluated: 2023-09-25. Review status: criteria provided, single submitter. Criteria: Invitae Variant Classification Sherloc (09022015). Collection method: clinical testing. Allele origin: germline.
Comment: This variant has not been reported in the literature in individuals affected with CACNA2D4-related conditions. In summary, the available evidence is currently insufficient to determine the role of this variant in disease. Therefore, it has been classified as a Variant of Uncertain Significance. An algorithm developed to predict the effect of missense changes on protein structure and function (PolyPhen-2) suggests that this variant is likely to be disruptive. This variant is not present in population databases (gnomAD no frequency). This sequence change replaces histidine, which is basic and polar, with tyrosine, which is neutral and polar, at codon 672 of the CACNA2D4 protein (p.His672Tyr).